The following is an entry in ClinVar:

NM_014208.3(DSPP):c.1550G>T (p.Ser517Ile)

Genes: DMP1-AS1 (DMP1 and DSPP antisense RNA 1; minus strand), DSPP (dentin sialophosphoprotein; plus strand). Cytogenetic location: 4q22.1.
Variant type: single nucleotide variant.
Coding change: c.1550G>T on transcript NM_014208.3 (MANE Select); coding-DNA position 1550, G replaced by T.
Protein change: p.Ser517Ile; replaces serine 517 with isoleucine.
Molecular consequence: missense variant.
Genome position (GRCh38, 1-based): chr4:87,614,212, G>T. VCF-style: chr4-87614212-G-T. GRCh37 (hg19) VCF-style: chr4-88535364-G-T.
Other names: short protein forms S517I.
Identifiers: ClinVar variation 3764242 (VCV003764242.2).

ClinVar aggregate classification (germline): Uncertain significance. Review status: criteria provided, multiple submitters, no conflicts (2 of 4 stars). 2 submissions from 2 submitters: Uncertain significance (2). Last evaluated 2026-02-08.

Conditions:
DSPP-related disorder. Also called: DSPP-related condition.

Submissions (2):

PreventionGenetics, part of Exact Sciences
Classification: Uncertain significance for DSPP-related condition. Last evaluated: 2026-02-08. Review status: criteria provided, single submitter. Criteria: ACMG Guidelines, 2015. Collection method: clinical testing. Allele origin: germline.
Comment: The DSPP c.1550G>T variant is predicted to result in the amino acid substitution p.Ser517Ile. To our knowledge, this variant has not been reported in the literature. This variant is reported in 0.0087% of alleles in individuals of Latino descent in gnomAD. At this time, the clinical significance of this variant is uncertain due to the absence of conclusive functional and genetic evidence.

GeneDx
Classification: Uncertain significance. Last evaluated: 2024-08-22. Review status: criteria provided, single submitter. Criteria: GeneDx Variant Classification Process June 2021. Collection method: clinical testing. Allele origin: germline. Affected: yes.
Comment: In silico analysis indicates that this missense variant does not alter protein structure/function; Has not been previously published as pathogenic or benign to our knowledge